The following is an entry in ClinVar:

ClinVar aggregate classification (germline): Uncertain significance (1 of 4 stars; one submission).

Submission:

Labcorp Genetics (formerly Invitae), Labcorp
Classification: Uncertain significance. Last evaluated: 2025-07-06. Review status: criteria provided, single submitter. Criteria: Invitae Variant Classification Sherloc (09022015). Collection method: clinical testing. Allele origin: germline.
Comment: This sequence change falls in intron 49 of the COL2A1 gene. It does not directly change the encoded amino acid sequence of the COL2A1 protein. It affects a nucleotide within the consensus splice site. This variant is not present in population databases (gnomAD no frequency). This variant has not been reported in the literature in individuals affected with COL2A1-related conditions. ClinVar contains an entry for this variant (Variation ID: 2856702). Variants that disrupt the consensus splice site are a relatively common cause of aberrant splicing (PMID: 17576681, 9536098). Algorithms developed to predict the effect of sequence changes on RNA splicing suggest that this variant is not likely to affect RNA splicing. In summary, the available evidence is currently insufficient to determine the role of this variant in disease. Therefore, it has been classified as a Variant of Uncertain Significance.

Literature cited by the submitters: PubMed 17576681; PubMed 9536098.

NM_001844.5(COL2A1):c.3489+6T>C

Gene: COL2A1 (collagen type II alpha 1 chain; minus strand). Cytogenetic location: 12q13.11.
Variant type: single nucleotide variant.
Coding change: c.3489+6T>C on transcript NM_001844.5 (MANE Select); 6 bases into the intron after coding-DNA position 3489, T replaced by C.
Molecular consequence: intron variant.
Genome position (GRCh38, 1-based): chr12:47,976,508, A>G on the plus strand (T>C on the coding strand, the complement: COL2A1 is on the minus strand). VCF-style: chr12-47976508-A-G. GRCh37 (hg19) VCF-style: chr12-48370291-A-G.
Other names: c.3282+6T>C (NM_033150.3).
Identifiers: ClinVar variation 2856702 (VCV002856702.3), dbSNP rs2540104309, ClinGen allele CA2739271944.